The following is an entry in ClinVar:

NM_006904.7(PRKDC):c.11635C>A (p.Pro3879Thr)

Gene: PRKDC (protein kinase, DNA-activated, catalytic subunit; minus strand). Cytogenetic location: 8q11.21.
Variant type: single nucleotide variant.
Coding change: c.11635C>A on transcript NM_006904.7 (MANE Select); coding-DNA position 11635, C replaced by A.
Protein change: p.Pro3879Thr; replaces proline 3879 with threonine.
Molecular consequence: missense variant.
Genome position (GRCh38, 1-based): chr8:47,778,744, G>T on the plus strand (C>A on the coding strand, the complement: PRKDC is on the minus strand). VCF-style: chr8-47778744-G-T. GRCh37 (hg19) VCF-style: chr8-48691305-G-T.
Other names: c.11542C>A, p.Pro3848Thr (NM_001081640.2); short protein forms P3848T, P3879T.
Identifiers: ClinVar variation 1059821 (VCV001059821.1), dbSNP rs2154497358, ClinGen allele CA371128905.

ClinVar aggregate classification (germline): Uncertain significance (1 of 4 stars; one submission).

Conditions:
Severe combined immunodeficiency due to DNA-PKcs deficiency. Also called: IMMUNODEFICIENCY 26 WITH NEUROLOGIC ABNORMALITIES; Immunodeficiency 26 with or without neurologic abnormalities. Identifiers: Orphanet 317425, MedGen C4014833, MONDO:0014423, OMIM 615966.

Submission:

Labcorp Genetics (formerly Invitae), Labcorp
Classification: Uncertain significance for Severe combined immunodeficiency due to DNA-PKcs deficiency. Last evaluated: 2020-03-10. Review status: criteria provided, single submitter. Criteria: Invitae Variant Classification Sherloc (09022015). Collection method: clinical testing. Allele origin: germline.
Comment: This sequence change replaces proline with threonine at codon 3879 of the PRKDC protein (p.Pro3879Thr). The proline residue is moderately conserved and there is a small physicochemical difference between proline and threonine. This variant is not present in population databases (ExAC no frequency). This variant has not been reported in the literature in individuals with PRKDC-related conditions. Experimental studies and prediction algorithms are not available or were not evaluated, and the functional significance of this variant is currently unknown. In summary, the available evidence is currently insufficient to determine the role of this variant in disease. Therefore, it has been classified as a Variant of Uncertain Significance.